The following is an entry in ClinVar:

NM_001127208.3(TET2):c.662C>A (p.Thr221Lys)

Genes: TET2 (tet methylcytosine dioxygenase 2; plus strand), TET2-AS1 (TET2 antisense RNA 1; minus strand). Cytogenetic location: 4q24.
Variant type: single nucleotide variant.
Coding change: c.662C>A on transcript NM_001127208.3 (MANE Select); coding-DNA position 662, C replaced by A.
Protein change: p.Thr221Lys; replaces threonine 221 with lysine.
Molecular consequence: missense variant.
Genome position (GRCh38, 1-based): chr4:105,234,604, C>A. VCF-style: chr4-105234604-C-A. GRCh37 (hg19) VCF-style: chr4-106155761-C-A.
Other names: c.662C>A, p.Thr221Lys (NM_017628.4); short protein forms T221K.
Identifiers: ClinVar variation 4594169 (VCV004594169.1).

ClinVar aggregate classification (germline): Uncertain significance (1 of 4 stars; one submission).

Submission:

Ambry Genetics
Classification: Uncertain significance. Last evaluated: 2025-10-25. Review status: criteria provided, single submitter. Criteria: Ambry Variant Classification Scheme 2023. Collection method: clinical testing. Allele origin: germline.
Comment: The p.T221K variant (also known as c.662C>A), located in coding exon 1 of the TET2 gene, results from a C to A substitution at nucleotide position 662. The threonine at codon 221 is replaced by lysine, an amino acid with similar properties. This amino acid position is conserved. In addition, this alteration is predicted to be tolerated by in silico analysis. Based on the available evidence, the clinical significance of this variant remains unclear.